The following is an entry in ClinVar:

ClinVar aggregate classification (germline): Uncertain significance. Review status: criteria provided, multiple submitters, no conflicts (2 of 4 stars). 2 submissions from 2 submitters: Uncertain significance (2). Last evaluated 2024-12-03.

Conditions:
Inborn genetic diseases. Identifiers: MedGen C0950123, MeSH D030342.
Charcot-Marie-Tooth disease recessive intermediate C. Also called: CHARCOT-MARIE-TOOTH NEUROPATHY, RECESSIVE INTERMEDIATE C. Identifiers: Orphanet 369867, MedGen C3809309, MONDO:0014154, OMIM 615376.
Neuronopathy, distal hereditary motor, autosomal recessive 4. Also called: Autosomal recessive lower motor neuron disease with childhood onset; NEUROPATHY, DISTAL HEREDITARY MOTOR, AUTOSOMAL RECESSIVE 4. Identifiers: Orphanet 206580, MedGen C1970211, MONDO:0012608, OMIM 611067.

Allele frequency attached by ClinVar (database versions not stated): gnomAD 0.00001; TOPMed 0.00001.
gnomAD v4.1: 8 of 1,589,710 alleles (0.0005%); highest among the groups gnomAD compares: African/African-American, 0.0081%; no homozygotes.

Submissions (2):

Ambry Genetics
Classification: Uncertain significance for Inborn genetic diseases. Last evaluated: 2024-12-03. Review status: criteria provided, single submitter. Criteria: Ambry Variant Classification Scheme 2023. Collection method: clinical testing. Allele origin: germline.

Labcorp Genetics (formerly Invitae), Labcorp
Classification: Uncertain significance for Neuronopathy, distal hereditary motor, autosomal recessive 4; Charcot-Marie-Tooth disease recessive intermediate C. Last evaluated: 2023-06-30. Review status: criteria provided, single submitter. Criteria: Invitae Variant Classification Sherloc (09022015). Collection method: clinical testing. Allele origin: germline.
Comment: This sequence change replaces arginine, which is basic and polar, with glutamine, which is neutral and polar, at codon 537 of the PLEKHG5 protein (p.Arg537Gln). In summary, the available evidence is currently insufficient to determine the role of this variant in disease. Therefore, it has been classified as a Variant of Uncertain Significance. An algorithm developed to predict the effect of missense changes on protein structure and function (PolyPhen-2) suggests that this variant is likely to be tolerated. ClinVar contains an entry for this variant (Variation ID: 536775). This variant has not been reported in the literature in individuals affected with PLEKHG5-related conditions. This variant is not present in population databases (gnomAD no frequency).

NM_020631.6(PLEKHG5):c.1610G>A (p.Arg537Gln)

Gene: PLEKHG5 (pleckstrin homology and RhoGEF domain containing G5; minus strand). Cytogenetic location: 1p36.31.
Variant type: single nucleotide variant.
Coding change: c.1610G>A on transcript NM_020631.6 (MANE Select); coding-DNA position 1610, G replaced by A.
Protein change: p.Arg537Gln; replaces arginine 537 with glutamine.
Molecular consequence: missense variant.
Genome position (GRCh38, 1-based): chr1:6,470,576, C>T on the plus strand (G>A on the coding strand, the complement: PLEKHG5 is on the minus strand). VCF-style: chr1-6470576-C-T. GRCh37 (hg19) VCF-style: chr1-6530636-C-T.
Other names: c.1721G>A, p.Arg574Gln (NM_001042663.3, NM_001265592.2); c.1610G>A, p.Arg537Gln (NM_001042664.2, NM_001042665.2, NM_001265594.3 and 1 more transcripts); c.1817G>A, p.Arg606Gln (NM_001265593.2); short protein forms R537Q, R606Q, R574Q.
Identifiers: ClinVar variation 536775 (VCV000536775.11), dbSNP rs1322468026, ClinGen allele CA338125264.